The following is an entry in ClinVar:

NM_001385012.1(NBEA):c.6585+4342A>G

Gene: NBEA (neurobeachin; plus strand). Cytogenetic location: 13q13.3.
Variant type: single nucleotide variant.
Coding change: c.6585+4342A>G on transcript NM_001385012.1 (MANE Select); 4342 bases into the intron after coding-DNA position 6585, A replaced by G.
Molecular consequence: intron variant.
Genome position (GRCh38, 1-based): chr13:35,476,878, A>G. VCF-style: chr13-35476878-A-G. GRCh37 (hg19) VCF-style: chr13-36051015-A-G.
Other names: c.6585+4342A>G (NM_015678.5); c.6576+4342A>G (NM_001379245.1); c.-37+41A>G (NM_001204197.3).
Identifiers: ClinVar variation 3257324 (VCV003257324.17).

ClinVar aggregate classification (germline): Likely benign (1 of 4 stars; one submission).

gnomAD v4.1: 19 of 894,808 alleles (0.0021%); highest among the groups gnomAD compares: Non-Finnish European, 0.0026%; no homozygotes.

Submission:

CeGaT Center for Human Genetics Tuebingen
Classification: Likely benign. Last evaluated: 2024-07-01. Review status: criteria provided, single submitter. Criteria: CeGaT Center For Human Genetics Tuebingen Variant Classification Criteria Version 2. Collection method: clinical testing. Allele origin: germline. Affected: yes. Observed: 1 variant allele.
Comment: NBEA: PM2:Supporting, BP4, BP7